The following is an entry in ClinVar:

NM_152703.5(SAMD9L):c.3427A>G (p.Ser1143Gly)

Gene: SAMD9L (sterile alpha motif domain containing 9 like; minus strand). Cytogenetic location: 7q21.2.
Variant type: single nucleotide variant.
Coding change: c.3427A>G on transcript NM_152703.5 (MANE Select); coding-DNA position 3427, A replaced by G.
Protein change: p.Ser1143Gly; replaces serine 1143 with glycine.
Molecular consequence: missense variant.
Genome position (GRCh38, 1-based): chr7:93,132,545, T>C on the plus strand (A>G on the coding strand, the complement: SAMD9L is on the minus strand). VCF-style: chr7-93132545-T-C. GRCh37 (hg19) VCF-style: chr7-92761858-T-C.
Other names: c.3427A>G, p.Ser1143Gly (NM_001303496.3, NM_001303497.3, NM_001303498.3 and 5 more transcripts); short protein forms S1143G.
Identifiers: ClinVar variation 4737595 (VCV004737595.1).

ClinVar aggregate classification (germline): Uncertain significance (1 of 4 stars; one submission).

Submission:

Labcorp Genetics (formerly Invitae), Labcorp
Classification: Uncertain significance. Last evaluated: 2025-05-12. Review status: criteria provided, single submitter. Criteria: Invitae Variant Classification Sherloc (09022015). Collection method: clinical testing. Allele origin: germline.
Comment: This sequence change replaces serine, which is neutral and polar, with glycine, which is neutral and non-polar, at codon 1143 of the SAMD9L protein (p.Ser1143Gly). This variant is present in population databases (rs754709141, gnomAD 0.003%). This missense change has been observed in individual(s) with bone marrow failure (PMID: 29146883). Invitae Evidence Modeling of protein sequence and biophysical properties (such as structural, functional, and spatial information, amino acid conservation, physicochemical variation, residue mobility, and thermodynamic stability) indicates that this missense variant is not expected to disrupt SAMD9L protein function with a negative predictive value of 80%. In summary, the available evidence is currently insufficient to determine the role of this variant in disease. Therefore, it has been classified as a Variant of Uncertain Significance.

Literature cited by the submitters: PubMed 29146883.